The following is an entry in ClinVar:

NM_032242.4(PLXNA1):c.3222_3224del (p.Thr1075del)

Gene: PLXNA1 (plexin A1; plus strand). Cytogenetic location: 3q21.3.
Variant type: Deletion.
Coding change: c.3222_3224del on transcript NM_032242.4 (MANE Select); coding-DNA positions 3222 to 3224, 3 bases deleted (CAC; older notation c.3222_3224delCAC).
Protein change: p.Thr1075del; deletes threonine 1075.
Molecular consequence: inframe deletion.
Genome position (GRCh38, 1-based): chr3:127,016,983-127,016,985, CAC deleted; deleting any 3 consecutive bases within chr3:127,016,982-127,016,985 gives the same sequence; the c. name uses the placement nearest the transcript's 3' end. VCF-style (leftmost placement, unchanged base first): chr3-127016981-GCCA-G. GRCh37 (hg19) VCF-style: chr3-126735824-GCCA-G.
Other names: short protein forms T1075del.
Identifiers: ClinVar variation 2629196 (VCV002629196.1), dbSNP rs1404362234, ClinGen allele CA546078948.

ClinVar aggregate classification (germline): Uncertain significance (1 of 4 stars; one submission).

Conditions:
PLXNA1-related disorder. Also called: PLXNA1-related condition.

Submission:

PreventionGenetics, part of Exact Sciences
Classification: Uncertain significance for PLXNA1-related condition. Last evaluated: 2022-09-26. Review status: criteria provided, single submitter. Criteria: ACMG Guidelines, 2015. Collection method: clinical testing. Allele origin: germline.
Comment: The PLXNA1 c.3222_3224delCAC variant is predicted to result in an in-frame deletion (p.Thr1075del). To our knowledge, this variant has not been reported in the literature. This variant is reported in 0.00088% of alleles in individuals of European (Non-Finnish) descent in gnomAD. At this time, the clinical significance of this variant is uncertain due to the absence of conclusive functional and genetic evidence.